The following is an entry in ClinVar:

NM_021870.3(FGG):c.571G>A (p.Gly191Arg)

Gene: FGG (fibrinogen gamma chain; minus strand). Cytogenetic location: 4q32.1.
Variant type: single nucleotide variant.
Coding change: c.571G>A on transcript NM_021870.3 (MANE Select); coding-DNA position 571, G replaced by A.
Protein change: p.Gly191Arg; replaces glycine 191 with arginine.
Molecular consequence: missense variant.
Genome position (GRCh38, 1-based): chr4:154,609,725, C>T on the plus strand (G>A on the coding strand, the complement: FGG is on the minus strand). VCF-style: chr4-154609725-C-T. GRCh37 (hg19) VCF-style: chr4-155530877-C-T.
Other names: G165R; c.571G>A, p.Gly191Arg (NM_000509.6); short protein forms G191R.
Identifiers: ClinVar variation 16378 (VCV000016378.46), dbSNP rs6063, ClinGen allele CA126421.

ClinVar aggregate classification (germline): Conflicting classifications of pathogenicity. Review status: criteria provided, conflicting classifications (1 of 4 stars). 12 submissions from 12 submitters: Uncertain significance (5); Benign (1); Likely benign (4). 2 of the submissions do not count toward it. Last evaluated 2026-02-04.

Conditions:
Familial dysfibrinogenemia. Also called: Dysfibrinogenemia, congenital. Identifiers: Orphanet 335, Orphanet 98881, MedGen C0272350, MONDO:0014452, OMIM 616004.
Congenital afibrinogenemia. Identifiers: Orphanet 335, Orphanet 98880, MedGen C2584774, MONDO:0008737, OMIM 202400.
Fibrinogen Milano XII, digenic. Identifiers: MedGen C4016097.
Hypofibrinogenemia. Identifiers: MedGen C0553681, HP:0011900.

Allele frequency attached by ClinVar (database versions not stated): gnomAD 0.00332 and 0.00339; TOPMed 0.00365; ExAC 0.00270; 1000 Genomes Project 0.00280; gnomAD exomes 0.00281; 1000 Genomes Project 30x 0.00297.

Submissions (12):

Labcorp Genetics (formerly Invitae), Labcorp
Classification: Likely benign. Last evaluated: 2026-02-04. Review status: criteria provided, single submitter. Criteria: Invitae Variant Classification Sherloc (09022015). Collection method: clinical testing. Allele origin: germline.

GeneDx
Classification: Uncertain significance. Last evaluated: 2025-06-05. Review status: criteria provided, single submitter. Criteria: GeneDx Variant Classification Process June 2021. Collection method: clinical testing. Allele origin: germline. Affected: yes.
Comment: In silico analysis supports that this missense variant has a deleterious effect on protein structure/function; This variant is associated with the following publications: (PMID: 33260935, 39805289, 33059327, 38286442, 39828282, 22273812, 39675565, 37832789, 31064749)

Mayo Clinic Laboratories, Mayo Clinic
Classification: Uncertain significance. Last evaluated: 2025-01-17. Review status: criteria provided, single submitter. Criteria: ACMG Guidelines, 2015. Collection method: clinical testing. Allele origin: germline. Observed: 1 variant allele.
Comment: BS1, BS2, PP3_moderate, PM1_supporting

Blueprint Genetics
Classification: Likely benign. Last evaluated: 2024-11-25. Review status: criteria provided, single submitter. Criteria: ACMG Guidelines, 2015. Collection method: clinical testing. Allele origin: germline.

Women's Health and Genetics/Laboratory Corporation of America, LabCorp
Classification: Likely benign. Last evaluated: 2024-05-22. Review status: criteria provided, single submitter. Criteria: LabCorp Variant Classification Summary - May 2015. Collection method: clinical testing. Allele origin: germline.
Comment: Variant summary: FGG c.571G>A (p.Gly191Arg) results in a non-conservative amino acid change located in the Fibrinogen, alpha/beta/gamma chain, C-terminal globular domain (IPR002181) of the encoded protein sequence. Five of five in-silico tools predict a damaging effect of the variant on protein function. The variant allele was found at a frequency of 0.0028 in 251212 control chromosomes in the gnomAD database, including 3 homozygotes. c.571G>A has been reported in the literature in individuals affected with thrombotic disorder or HELLP syndrome without evidence of causality (e.g. Downes_2019, Jimenez_2020). These reports do not provide unequivocal conclusions about association of the variant with Congenital Dysfibrinogenemia. To our knowledge, no experimental evidence demonstrating an impact on protein function has been reported. The following publications have been ascertained in the context of this evaluation (PMID: 31064749, 33059327). ClinVar contains an entry for this variant (Variation ID: 16378). Based on the evidence outlined above, the variant was classified as likely benign.

CeGaT Center for Human Genetics Tuebingen
Classification: Likely benign. Last evaluated: 2023-02-01. Review status: criteria provided, single submitter. Criteria: CeGaT Center For Human Genetics Tuebingen Variant Classification Criteria Version 2. Collection method: clinical testing. Allele origin: germline. Affected: yes. Observed: 1 variant allele.
Comment: FGG: BS2

Genomic Research Center, Shahid Beheshti University of Medical Sciences
Classification: Uncertain significance. Last evaluated: 2019-04-27. Review status: criteria provided, single submitter. Criteria: ACMG Guidelines, 2015. Collection method: clinical testing. Allele origin: unknown. Affected: no.

NIHR Bioresource Rare Diseases, University of Cambridge
Classification: Uncertain significance for Hypofibrinogenemia. Last evaluated: 2019-02-01. Review status: criteria provided, single submitter. Criteria: ACMG Guidelines, 2015. Collection method: research. Allele origin: unknown. Affected: yes. Observed: 1 heterozygote. Study: ThromboGenomics.

Illumina Laboratory Services, Illumina
Classification: Benign for Congenital afibrinogenemia. Last evaluated: 2017-04-27. Review status: criteria provided, single submitter. Criteria: ICSL Variant Classification Criteria 13 December 2019. Collection method: clinical testing. Allele origin: germline.
Comment: This variant was observed as part of a predisposition screen in an ostensibly healthy population. A literature search was performed for the gene, cDNA change, and amino acid change (where applicable). No publications were found based on this search. Allele frequency data from public databases was too high to be consistent with this variant causing disease. Therefore, this variant is classified as benign.

ISTH-SSC Genomics in Thrombosis and Hemostasis, KU Leuven, Center for Molecular and Vascular Biology
Classification: Uncertain significance for Familial dysfibrinogenemia. Review status: criteria provided, single submitter. Criteria: ACMG Guidelines, 2015. Collection method: clinical testing. Allele origin: germline. Affected: yes. Observed: 2 heterozygotes. Clinical features observed: Menorrhagia, bleeding.
Comment: Submitted to GoldVariant by Kathleen Freson, Center for Molecular and Vascular Biology, Leuven, Belgium

OMIM
Classification: Pathogenic for FIBRINOGEN MILANO XII, DIGENIC. Last evaluated: 2001-07-15. Review status: no assertion criteria provided. Collection method: literature only. Allele origin: germline. Not counted in ClinVar's aggregate classification.

Department of Pathology and Laboratory Medicine, Sinai Health System
Classification: Uncertain significance. Review status: no assertion criteria provided. Collection method: clinical testing. Allele origin: unknown. Affected: yes. Study: The Canadian Open Genetics Repository (COGR). Not counted in ClinVar's aggregate classification.
Comment: The FGG p.Gly191Arg variant was not identified in the literature nor was it identified in Cosmic or LOVD 3.0. The variant was identified in dbSNP (ID: rs6063) as "With Pathogenic allele" and in ClinVar (variant classified as pathogenic by OMIM; associated condition is digenic Fibrinogen Milano XII) The variant was identified in control databases in 784 of 282600 chromosomes (4 homozygous) at a frequency of 0.002774 increasing the likelihood this could be a low frequency benign variant (Genome Aggregation Database Feb 27, 2017). The variant was observed in the following populations: European (non-Finnish) in 596 of 128994 chromosomes (freq: 0.00462), Ashkenazi Jewish in 39 of 10360 chromosomes (freq: 0.003764), Other in 26 of 7216 chromosomes (freq: 0.003603), Latino in 85 of 35390 chromosomes (freq: 0.002402), African in 23 of 24960 chromosomes (freq: 0.000922), European (Finnish) in 11 of 25120 chromosomes (freq: 0.000438) and South Asian in 4 of 30610 chromosomes (freq: 0.000131), while the variant was not observed in the and East Asian population. The variant occurs outside of the splicing consensus sequence and in silico or computational prediction software programs (SpliceSiteFinder, MaxEntScan, NNSPLICE, GeneSplicer) do not predict a difference in splicing. The p.Gly191 residue is conserved across mammals and other organisms, and four out of five computational analyses (PolyPhen-2, SIFT, BLOSUM, MutationTaster) suggest that the G variant may impact the protein; however, this information is not predictive enough to assume pathogenicity. In summary, based on the above information the clinical significance of this variant cannot be determined with certainty at this time. This variant is classified as a variant of uncertain significance.

Literature cited by the submitters: PubMed 22273812 (cited by Mayo Clinic Laboratories, Mayo Clinic); PubMed 23560673 (cited by Mayo Clinic Laboratories, Mayo Clinic); PubMed 31352677 (cited by Mayo Clinic Laboratories, Mayo Clinic); PubMed 33059327 (cited by Mayo Clinic Laboratories, Mayo Clinic and Women's Health and Genetics/Laboratory Corporation of America, LabCorp); PubMed 38286442 (cited by Mayo Clinic Laboratories, Mayo Clinic); PubMed 39675565 (cited by Mayo Clinic Laboratories, Mayo Clinic); PubMed 31064749 (cited by Women's Health and Genetics/Laboratory Corporation of America, LabCorp and NIHR Bioresource Rare Diseases, University of Cambridge); PubMed 11435303 (cited by OMIM).